The following is an entry in ClinVar:

NM_002907.4(RECQL):c.1670A>C (p.Glu557Ala)

Genes: PYROXD1 (pyridine nucleotide-disulphide oxidoreductase domain 1; plus strand), RECQL (RecQ like helicase; minus strand). Cytogenetic location: 12p12.1.
Variant type: single nucleotide variant.
Coding change: c.1670A>C on transcript NM_002907.4 (MANE Select); coding-DNA position 1670, A replaced by C.
Protein change: p.Glu557Ala; replaces glutamic acid 557 with alanine.
Molecular consequence: missense variant. On other transcripts: 3 prime UTR variant (3).
Genome position (GRCh38, 1-based): chr12:21,471,096, T>G on the plus strand (A>C on the coding strand, the complement: RECQL is on the minus strand). VCF-style: chr12-21471096-T-G. GRCh37 (hg19) VCF-style: chr12-21624030-T-G.
Other names: c.1670A>C, p.Glu557Ala (NM_032941.3); c.*2342T>G (NM_001350912.2, NM_001350913.2, NM_024854.5); short protein forms E557A.
Identifiers: ClinVar variation 1777670 (VCV001777670.3), dbSNP rs2540315287, ClinGen allele CA384114809.

ClinVar aggregate classification (germline): Uncertain significance (1 of 4 stars; one submission).

Submission:

Ambry Genetics
Classification: Uncertain significance. Last evaluated: 2024-09-27. Review status: criteria provided, single submitter. Criteria: Ambry Variant Classification Scheme 2023. Collection method: clinical testing. Allele origin: germline.
Comment: The p.E557A variant (also known as c.1670A>C), located in coding exon 13 of the RECQL gene, results from an A to C substitution at nucleotide position 1670. The glutamic acid at codon 557 is replaced by alanine, an amino acid with dissimilar properties. This amino acid position is conserved. In addition, the in silico prediction for this alteration is inconclusive. Since supporting evidence is limited at this time, the clinical significance of this alteration remains unclear.